The following is an entry in ClinVar:

NM_001366722.1(GRIP1):c.688del (p.Ala230fs)

Gene: GRIP1 (glutamate receptor interacting protein 1; minus strand). Cytogenetic location: 12q14.3.
Variant type: Deletion.
Coding change: c.688del on transcript NM_001366722.1 (MANE Select); coding-DNA position 688, one base deleted (G; older notation c.688delG).
Protein change: p.Ala230fs; shifts the reading frame from alanine 230.
Molecular consequence: frameshift variant.
Genome position (GRCh38, 1-based): chr12:66,515,655, C deleted on the plus strand (G on the coding strand, the reverse complement: GRIP1 is on the minus strand). VCF-style (leftmost placement, unchanged base first): chr12-66515654-GC-G. GRCh37 (hg19) VCF-style: chr12-66909434-GC-G.
Other names: c.688del, p.Ala230fs (NM_001178074.2, NM_001379346.1, NM_021150.4); c.766del, p.Ala256fs (NM_001366723.1, NM_001366724.1, NM_001379345.1 and 2 more transcripts); c.691del, p.Ala231fs (NM_001379349.1, NM_001379351.1, NM_001439322.1 and 1 more transcripts); short protein forms A230fs, A231fs, A256fs.
Identifiers: ClinVar variation 5016227 (VCV005016227.1).

ClinVar aggregate classification (germline): Pathogenic (1 of 4 stars; one submission).

Conditions:
Fraser syndrome 3. Identifiers: MedGen C4540040, MONDO:0054739, OMIM 617667.

Submission:

Myriad Genetics, Inc.
Classification: Pathogenic for Fraser syndrome 3. Last evaluated: 2026-08-10. Review status: criteria provided, single submitter. Criteria: Myriad Autosomal Dominant, Autosomal Recessive and X-Linked Classification Criteria (2023). Collection method: clinical testing. Allele origin: unknown.
Comment: NM_021150.3(GRIP1):c.688delG(A230Qfs*4) is expected to be pathogenic in the context of Fraser syndrome, GRIP1-related. This variant is predicted to lead to an abnormal or absent protein product due to the creation of a premature termination codon in GRIP1, a gene where loss-of-function variants are known to be pathogenic. Please note: this variant was assessed in the context of healthy population screening.